The following is an entry in ClinVar:

ClinVar aggregate classification (germline): Uncertain significance (1 of 4 stars; one submission).

Submission:

Ambry Genetics
Classification: Uncertain significance. Last evaluated: 2023-02-09. Review status: criteria provided, single submitter. Criteria: Ambry Variant Classification Scheme 2023. Collection method: clinical testing. Allele origin: germline.
Comment: The p.T3790S variant (also known as c.11369C>G), located in coding exon 79 of the PRKDC gene, results from a C to G substitution at nucleotide position 11369. The threonine at codon 3790 is replaced by serine, an amino acid with similar properties. This amino acid position is conserved. Since supporting evidence is limited at this time, the clinical significance of this alteration remains unclear.

NM_006904.7(PRKDC):c.11369C>G (p.Thr3790Ser)

Gene: PRKDC (protein kinase, DNA-activated, catalytic subunit; minus strand). Cytogenetic location: 8q11.21.
Variant type: single nucleotide variant.
Coding change: c.11369C>G on transcript NM_006904.7 (MANE Select); coding-DNA position 11369, C replaced by G.
Protein change: p.Thr3790Ser; replaces threonine 3790 with serine.
Molecular consequence: missense variant.
Genome position (GRCh38, 1-based): chr8:47,782,405, G>C on the plus strand (C>G on the coding strand, the complement: PRKDC is on the minus strand). VCF-style: chr8-47782405-G-C. GRCh37 (hg19) VCF-style: chr8-48694966-G-C.
Other names: c.11369C>G, p.Thr3790Ser (NM_001081640.2); short protein forms T3790S.
Identifiers: ClinVar variation 2497391 (VCV002497391.2), dbSNP rs1245278806, ClinGen allele CA371129752.
Genomic context (GRCh38, chr8:47,782,405, plus strand): 5'-CAGCCTACTGGCTGGGAGCAGCCTGGCAGTTACCTGGAGGTCATGGGCACAACGCTATAG[G>C]TCCTCAGCTGCAGGGCCCTCTGGCTGCAGGCGGAGTCTTGGGCCAGGATCCCATTCATGA-3'
Protein context (NP_008835.5, residues 3780-3800): ACSQRALQLR[Thr3790Ser]YSVVPMTSRL